The following is an entry in ClinVar:

NM_002485.4:c.113_114insALU

Gene: NBN (nibrin; minus strand).
Variant type: Insertion.
Identifiers: ClinVar variation 1728060 (VCV001728060.2).

ClinVar aggregate classification (germline): Likely pathogenic (1 of 4 stars; one submission).

Conditions:
Hereditary cancer-predisposing syndrome. Also called: Tumor predisposition; Neoplastic Syndromes, Hereditary; Hereditary Cancer Syndrome; Hereditary neoplastic syndrome. Identifiers: Orphanet 140162, MedGen C0027672, MeSH D009386, MONDO:0015356.

Submission:

Ambry Genetics
Classification: Likely pathogenic for Hereditary cancer-predisposing syndrome. Last evaluated: 2022-04-28. Review status: criteria provided, single submitter. Criteria: Ambry Variant Classification Scheme 2023. Collection method: clinical testing. Allele origin: germline.
Comment: The c.113_114IinsALU likely pathogenic variant results from the insertion of an Alu element between nucleotides 113 and 114 in coding exon 2 of the NBN gene. Mobile element insertions contribute to pathogenicity by either disrupting the coding sequence or inducing aberrant splicing (Belancio VP et al. Semin. Cancer Biol. 2010 Aug;20:200-10; Deininger P et al. Genome Biol. 2011 Dec;12:236; van der Klift HM Hum Mutat. 2012 Jul;33(7):1051-5). Based on the majority of available evidence to date, this variant is likely to be pathogenic.